The following is an entry in ClinVar:

ClinVar aggregate classification (germline): Likely benign. Review status: criteria provided, multiple submitters, no conflicts (2 of 4 stars). 2 submissions from 2 submitters: Likely benign (2). Last evaluated 2025-06-01.

Conditions:
Hereditary cancer-predisposing syndrome. Also called: Tumor predisposition; Hereditary neoplastic syndrome; Neoplastic Syndromes, Hereditary; Hereditary Cancer Syndrome. Identifiers: Orphanet 140162, MedGen C0027672, MeSH D009386, MONDO:0015356.

Submissions (2):

CeGaT Center for Human Genetics Tuebingen
Classification: Likely benign. Last evaluated: 2025-06-01. Review status: criteria provided, single submitter. Criteria: CeGaT Center For Human Genetics Tuebingen Variant Classification Criteria Version 2. Collection method: clinical testing. Allele origin: germline. Affected: yes. Observed: 1 variant allele.
Comment: SMARCA4: PM2:Supporting, BP4, BP7

Ambry Genetics
Classification: Likely benign for Hereditary cancer-predisposing syndrome. Last evaluated: 2019-02-18. Review status: criteria provided, single submitter. Criteria: Ambry Variant Classification Scheme 2023. Collection method: clinical testing. Allele origin: germline.

NM_003072.5(SMARCA4):c.2901T>C (p.Arg967=)

Gene: SMARCA4 (SWI/SNF related BAF chromatin remodeling complex subunit ATPase 4; plus strand). Cytogenetic location: 19p13.2.
Variant type: single nucleotide variant.
Coding change: c.2901T>C on transcript NM_003072.5 (MANE Select); coding-DNA position 2901, T replaced by C.
Protein change: p.Arg967=; no amino-acid change (arginine 967 retained).
Molecular consequence: synonymous variant. On other transcripts: non-coding transcript variant (1).
Genome position (GRCh38, 1-based): chr19:11,023,559, T>C. VCF-style: chr19-11023559-T-C. GRCh37 (hg19) VCF-style: chr19-11134235-T-C.
Other names: c.2901T>C, p.Arg967= (NM_001128844.3, NM_001128845.2, NM_001128846.2 and 4 more transcripts).
Identifiers: ClinVar variation 821953 (VCV000821953.12), dbSNP rs1600292881, ClinGen allele CA505490402.
Genomic context (GRCh38, chr19:11,023,559, plus strand): 5'-CTGTCTTGGGGGCTTCCAGGTGGACCTGAATGAGGAGGAAACCATTCTCATCATCCGGCG[T>C]CTCCACAAAGTGCTGCGGCCCTTCTTGCTCCGACGACTCAAGAAGGAAGTCGAGGCCCAG-3'
Protein context (NP_003063.2, residues 957-977): NEEETILIIR[Arg967=]LHKVLRPFLL